The following is an entry in ClinVar:

ClinVar aggregate classification (germline): Uncertain significance (1 of 4 stars; one submission).

Allele frequency attached by ClinVar (database versions not stated): TOPMed below 0.00001; ExAC 0.00001; gnomAD exomes 0.00001.

Submission:

Labcorp Genetics (formerly Invitae), Labcorp
Classification: Uncertain significance. Last evaluated: 2022-07-31. Review status: criteria provided, single submitter. Criteria: Invitae Variant Classification Sherloc (09022015). Collection method: clinical testing. Allele origin: germline.
Comment: This variant has not been reported in the literature in individuals affected with VCAN-related conditions. This variant is present in population databases (rs770469985, gnomAD 0.006%). This sequence change replaces arginine, which is basic and polar, with tryptophan, which is neutral and slightly polar, at codon 211 of the VCAN protein (p.Arg211Trp). In summary, the available evidence is currently insufficient to determine the role of this variant in disease. Therefore, it has been classified as a Variant of Uncertain Significance. Algorithms developed to predict the effect of missense changes on protein structure and function (SIFT, PolyPhen-2, Align-GVGD) all suggest that this variant is likely to be disruptive.

NM_004385.5(VCAN):c.631C>T (p.Arg211Trp)

Gene: VCAN (versican; plus strand). Cytogenetic location: 5q14.2.
Variant type: single nucleotide variant.
Coding change: c.631C>T on transcript NM_004385.5 (MANE Select); coding-DNA position 631, C replaced by T.
Protein change: p.Arg211Trp; replaces arginine 211 with tryptophan.
Molecular consequence: missense variant.
Genome position (GRCh38, 1-based): chr5:83,493,814, C>T. VCF-style: chr5-83493814-C-T. GRCh37 (hg19) VCF-style: chr5-82789633-C-T.
Other names: c.631C>T, p.Arg211Trp (NM_001126336.3, NM_001164097.2, NM_001164098.2); short protein forms R211W.
Identifiers: ClinVar variation 2126931 (VCV002126931.4), dbSNP rs770469985, ClinGen allele CA3332494.